The following is an entry in ClinVar:

ClinVar aggregate classification (germline): Uncertain significance. Review status: criteria provided, multiple submitters, no conflicts (2 of 4 stars). 2 submissions from 2 submitters: Uncertain significance (2). Last evaluated 2024-08-16.

Conditions:
Hereditary cancer-predisposing syndrome. Also called: Tumor predisposition; Hereditary neoplastic syndrome; Hereditary Cancer Syndrome; Neoplastic Syndromes, Hereditary. Identifiers: Orphanet 140162, MedGen C0027672, MeSH D009386, MONDO:0015356.

Submissions (2):

Ambry Genetics
Classification: Uncertain significance for Hereditary cancer-predisposing syndrome. Last evaluated: 2024-08-16. Review status: criteria provided, single submitter. Criteria: Ambry Variant Classification Scheme 2023. Collection method: clinical testing. Allele origin: germline.
Comment: The p.A62V variant (also known as c.185C>T), located in coding exon 2 of the CTNNA1 gene, results from a C to T substitution at nucleotide position 185. The alanine at codon 62 is replaced by valine, an amino acid with similar properties. This amino acid position is conserved. In addition, this alteration is predicted to be tolerated by in silico analysis. Based on the available evidence, the clinical significance of this variant remains unclear.

Labcorp Genetics (formerly Invitae), Labcorp
Classification: Uncertain significance. Last evaluated: 2020-07-24. Review status: criteria provided, single submitter. Criteria: Invitae Variant Classification Sherloc (09022015). Collection method: clinical testing. Allele origin: germline.
Comment: In summary, the available evidence is currently insufficient to determine the role of this variant in disease. Therefore, it has been classified as a Variant of Uncertain Significance. Algorithms developed to predict the effect of missense changes on protein structure and function are either unavailable or do not agree on the potential impact of this missense change (SIFT: "Deleterious"; PolyPhen-2: "Benign"; Align-GVGD: "Class C0"). This variant has not been reported in the literature in individuals with CTNNA1-related conditions. This variant is not present in population databases (ExAC no frequency). This sequence change replaces alanine with valine at codon 62 of the CTNNA1 protein (p.Ala62Val). The alanine residue is highly conserved and there is a small physicochemical difference between alanine and valine.

NM_001903.5(CTNNA1):c.185C>T (p.Ala62Val)

Gene: CTNNA1 (catenin alpha 1; plus strand). Cytogenetic location: 5q31.2.
Variant type: single nucleotide variant.
Coding change: c.185C>T on transcript NM_001903.5 (MANE Select); coding-DNA position 185, C replaced by T.
Protein change: p.Ala62Val; replaces alanine 62 with valine.
Molecular consequence: missense variant. On other transcripts: 5 prime UTR variant (1), intron variant (1).
Genome position (GRCh38, 1-based): chr5:138,783,256, C>T. VCF-style: chr5-138783256-C-T. GRCh37 (hg19) VCF-style: chr5-138118945-C-T.
Other names: c.185C>T, p.Ala62Val (NM_001290307.3, NM_001323982.2, NM_001323983.1 and 3 more transcripts); c.-22C>T (NM_001290310.3); c.-9+1227C>T (NM_001290309.3); c.185C>T (NM_001903.2); short protein forms A62V.
Identifiers: ClinVar variation 935614 (VCV000935614.10), dbSNP rs1755332073, ClinGen allele CA361477430.